The following is an entry in ClinVar:

NM_020433.5(JPH2):c.439G>A (p.Val147Met)

Gene: JPH2 (junctophilin 2; minus strand). Cytogenetic location: 20q13.12.
Variant type: single nucleotide variant.
Coding change: c.439G>A on transcript NM_020433.5 (MANE Select); coding-DNA position 439, G replaced by A.
Protein change: p.Val147Met; replaces valine 147 with methionine.
Molecular consequence: missense variant.
Genome position (GRCh38, 1-based): chr20:44,160,348, C>T on the plus strand (G>A on the coding strand, the complement: JPH2 is on the minus strand). VCF-style: chr20-44160348-C-T. GRCh37 (hg19) VCF-style: chr20-42788988-C-T.
Other names: short protein forms V147M.
Identifiers: ClinVar variation 403853 (VCV000403853.9), dbSNP rs1012335909, ClinGen allele CA16616224.

ClinVar aggregate classification (germline): Uncertain significance. Review status: criteria provided, multiple submitters, no conflicts (2 of 4 stars). 2 submissions from 2 submitters: Uncertain significance (2). Last evaluated 2023-12-13.

Conditions:
Cardiovascular phenotype. Identifiers: MedGen CN230736.
Hypertrophic cardiomyopathy. Also called: HYPERTROPHIC MYOCARDIOPATHY. Identifiers: Orphanet 217569, MedGen C0007194, MeSH D002312, MONDO:0005045, HP:0001639.

gnomAD v4.1: 2 of 1,592,868 alleles (0.00013%); highest among the groups gnomAD compares: African/African-American, 0.0013%; no homozygotes.

Submissions (2):

Labcorp Genetics (formerly Invitae), Labcorp
Classification: Uncertain significance for Hypertrophic cardiomyopathy. Last evaluated: 2023-12-13. Review status: criteria provided, single submitter. Criteria: Invitae Variant Classification Sherloc (09022015). Collection method: clinical testing. Allele origin: germline.
Comment: This sequence change replaces valine, which is neutral and non-polar, with methionine, which is neutral and non-polar, at codon 147 of the JPH2 protein (p.Val147Met). This variant is not present in population databases (gnomAD no frequency). This variant has not been reported in the literature in individuals affected with JPH2-related conditions. ClinVar contains an entry for this variant (Variation ID: 403853). An algorithm developed to predict the effect of missense changes on protein structure and function (PolyPhen-2) suggests that this variant is likely to be disruptive. In summary, the available evidence is currently insufficient to determine the role of this variant in disease. Therefore, it has been classified as a Variant of Uncertain Significance.

Ambry Genetics
Classification: Uncertain significance for Cardiovascular phenotype. Last evaluated: 2023-10-16. Review status: criteria provided, single submitter. Criteria: Ambry Variant Classification Scheme 2023. Collection method: clinical testing. Allele origin: germline.
Comment: The p.V147M variant (also known as c.439G>A), located in coding exon 2 of the JPH2 gene, results from a G to A substitution at nucleotide position 439. The valine at codon 147 is replaced by methionine, an amino acid with highly similar properties. This amino acid position is highly conserved in available vertebrate species. In addition, this alteration is predicted to be tolerated by in silico analysis. Since supporting evidence is limited at this time, the clinical significance of this alteration remains unclear.